The following is an entry in ClinVar:

ClinVar aggregate classification (germline): Conflicting classifications of pathogenicity. Review status: criteria provided, conflicting classifications (1 of 4 stars). 3 submissions from 3 submitters: Uncertain significance (1); Likely benign (2). Last evaluated 2026-06-18.

Conditions:
Holoprosencephaly 9 (HPE9). Also called: HOLOPROSENCEPHALY WITH MICROPHTHALMIA AND FIRST BRANCHIAL ARCH ANOMALIES; PITUITARY ANOMALIES WITH HOLOPROSENCEPHALY-LIKE FEATURES. Identifiers: Orphanet 2162, MedGen C1835819, MONDO:0012563, OMIM 610829.
Postaxial polydactyly-anterior pituitary anomalies-facial dysmorphism syndrome. Also called: Culler-Jones syndrome. Identifiers: Orphanet 420584, MedGen C4014479, MONDO:0014369, OMIM 615849.

gnomAD v4.1: 174 of 1,603,086 alleles (0.011%); highest among the groups gnomAD compares: Non-Finnish European, 0.0094%; no homozygotes.

Submissions (3):

Women's Health and Genetics/Laboratory Corporation of America, LabCorp
Classification: Likely benign. Last evaluated: 2026-06-18. Review status: criteria provided, single submitter. Criteria: LabCorp Variant Classification Summary - May 2015. Collection method: clinical testing. Allele origin: germline.
Comment: Variant summary: GLI2 c.253G>A (p.Gly85Arg) results in a non-conservative amino acid change in the encoded protein sequence. Algorithms developed to predict the effect of missense changes on protein structure and function are either unavailable or do not agree on the potential impact of this missense change. Several computational tools predict a significant impact on normal splicing: Three predict the variant creates a 3' acceptor site. However, these predictions have yet to be confirmed by functional studies. The variant allele was found at a frequency of 0.00021 in 251456 control chromosomes. As the maximum pathogenic allele frequency (MPAF) for this gene has not been established, it is unclear if the allele frequency of this variant in gnomAD exceeds the MPAF of this gene. To our knowledge, no occurrence of c.253G>A in individuals affected with GLI2-related conditions and no experimental evidence demonstrating its impact on protein function have been reported. ClinVar contains an entry for this variant (Variation ID: 3753793). Based on the evidence outlined above, the variant was classified as likely benign.

Labcorp Genetics (formerly Invitae), Labcorp
Classification: Likely benign for Postaxial polydactyly-anterior pituitary anomalies-facial dysmorphism syndrome; Holoprosencephaly 9. Last evaluated: 2024-04-15. Review status: criteria provided, single submitter. Criteria: Invitae Variant Classification Sherloc (09022015). Collection method: clinical testing. Allele origin: germline.

Department of Pathology and Laboratory Medicine, Sinai Health System
Classification: Uncertain significance for Holoprosencephaly 9; Postaxial polydactyly-anterior pituitary anomalies-facial dysmorphism syndrome. Last evaluated: 2020-07-03. Review status: criteria provided, single submitter. Criteria: ACMG Guidelines, 2015. Collection method: research. Allele origin: germline.

NM_001374353.1(GLI2):c.253G>A (p.Gly85Arg)

Gene: GLI2 (GLI family zinc finger 2; plus strand). Cytogenetic location: 2q14.2.
Variant type: single nucleotide variant.
Coding change: c.253G>A on transcript NM_001374353.1 (MANE Select); coding-DNA position 253, G replaced by A.
Protein change: p.Gly85Arg; replaces glycine 85 with arginine.
Molecular consequence: missense variant. On other transcripts: intron variant (1).
Genome position (GRCh38, 1-based): chr2:120,927,465, G>A. VCF-style: chr2-120927465-G-A. GRCh37 (hg19) VCF-style: chr2-121685041-G-A.
Other names: c.253G>A, p.Gly85Arg (NM_001371271.1, NM_005270.5); c.-121-23778G>A (NM_001374354.1); short protein forms G85R.
Identifiers: ClinVar variation 3753793 (VCV003753793.4).